The following is an entry in ClinVar:

ClinVar aggregate classification (germline): Uncertain significance (1 of 4 stars; one submission).

gnomAD v4.1: 10 of 1,612,538 alleles (0.00062%); highest among the groups gnomAD compares: Non-Finnish European, 0.00059%; no homozygotes.

Submission:

Ambry Genetics
Classification: Uncertain significance. Last evaluated: 2024-03-30. Review status: criteria provided, single submitter. Criteria: Ambry Variant Classification Scheme 2023. Collection method: clinical testing. Allele origin: germline.
Comment: The p.P208R variant (also known as c.623C>G), located in coding exon 7 of the NPAT gene, results from a C to G substitution at nucleotide position 623. The proline at codon 208 is replaced by arginine, an amino acid with dissimilar properties. This amino acid position is conserved. In addition, the in silico prediction for this alteration is inconclusive. Based on the available evidence, the clinical significance of this alteration remains unclear.

NM_002519.3(NPAT):c.623C>G (p.Pro208Arg)

Gene: NPAT (nuclear protein, coactivator of histone transcription; minus strand). Cytogenetic location: 11q22.3.
Variant type: single nucleotide variant.
Coding change: c.623C>G on transcript NM_002519.3 (MANE Select); coding-DNA position 623, C replaced by G.
Protein change: p.Pro208Arg; replaces proline 208 with arginine.
Molecular consequence: missense variant.
Genome position (GRCh38, 1-based): chr11:108,188,113, G>C on the plus strand (C>G on the coding strand, the complement: NPAT is on the minus strand). VCF-style: chr11-108188113-G-C. GRCh37 (hg19) VCF-style: chr11-108058840-G-C.
Other names: c.623C>G, p.Pro208Arg (NM_001321307.1); short protein forms P208R.
Identifiers: ClinVar variation 3300605 (VCV003300605.1).